The following is an entry in ClinVar:

NM_001267550.2(TTN):c.8095T>G (p.Ser2699Ala)

Gene: TTN (titin; minus strand). Cytogenetic location: 2q31.2.
Variant type: single nucleotide variant.
Coding change: c.8095T>G on transcript NM_001267550.2 (MANE Select); coding-DNA position 8095, T replaced by G.
Protein change: p.Ser2699Ala; replaces serine 2699 with alanine.
Molecular consequence: missense variant.
Genome position (GRCh38, 1-based): chr2:178,771,232, A>C on the plus strand (T>G on the coding strand, the complement: TTN is on the minus strand). VCF-style: chr2-178771232-A-C. GRCh37 (hg19) VCF-style: chr2-179635959-A-C.
Other names: c.8095T>G, p.Ser2699Ala (NM_001256850.1, NM_133378.4, NM_133379.5); c.7957T>G, p.Ser2653Ala (NM_003319.4, NM_133432.3, NM_133437.4); c.8095T>G (NM_001267550.1); short protein forms S2699A, S2653A.
Identifiers: ClinVar variation 535694 (VCV000535694.12), dbSNP rs373857878, ClinGen allele CA2004684.

ClinVar aggregate classification (germline): Uncertain significance. Review status: criteria provided, multiple submitters, no conflicts (2 of 4 stars). 5 submissions from 5 submitters: Uncertain significance (5). Last evaluated 2025-11-05.

Conditions:
Cardiovascular phenotype. Identifiers: MedGen CN230736.
TTN-related disorder. Also called: TTN-related condition; TTN-related disease; TTN-related disorders.
Dilated cardiomyopathy 1G (CMD1G). Identifiers: Orphanet 154, MedGen C1858763, MONDO:0011400, OMIM 604145.
Autosomal recessive limb-girdle muscular dystrophy type 2J (LGMDR10). Also called: MUSCULAR DYSTROPHY, LIMB-GIRDLE, AUTOSOMAL RECESSIVE 10; Limb-girdle muscular dystrophy, type 2J. Identifiers: Orphanet 140922, MedGen C1837342, MONDO:0012127, OMIM 608807.

Allele frequency attached by ClinVar (database versions not stated): TOPMed 0.00002; gnomAD exomes 0.00003 and 0.00001; ESP Exome Variant Server 0.00008; gnomAD 0.00001; ExAC 0.00002.
gnomAD v4.1: 46 of 1,613,954 alleles (0.0029%); highest among the groups gnomAD compares: Non-Finnish European, 0.0036%; no homozygotes.

Submissions (5):

PreventionGenetics, part of Exact Sciences
Classification: Uncertain significance for TTN-related condition. Last evaluated: 2025-11-05. Review status: criteria provided, single submitter. Criteria: ACMG Guidelines, 2015. Collection method: clinical testing. Allele origin: germline.
Comment: The TTN c.8095T>G variant is predicted to result in the amino acid substitution p.Ser2699Ala. This variant has been reported in an individual with arrhythmogenic right ventricular tachycardia (Martínez-Barrios et al. 2022. PubMed ID: 35207729). This variant is reported in 0.0018% of alleles in individuals of European (Non-Finnish) descent in gnomAD. At this time, the clinical significance of this variant is uncertain due to the absence of conclusive functional and genetic evidence.

GeneDx
Classification: Uncertain significance. Last evaluated: 2025-06-13. Review status: criteria provided, single submitter. Criteria: GeneDx Variant Classification Process June 2021. Collection method: clinical testing. Allele origin: germline. Affected: yes.
Comment: Not observed at significant frequency in large population cohorts (gnomAD); Missense variant in a gene in which most reported pathogenic variants are truncating/loss of function; Observed in an individual with ARVC; however, detailed clinical information was not provided (PMID: 35207729); This variant is associated with the following publications: (PMID: 23975875, 35207729)

Ambry Genetics
Classification: Uncertain significance for Cardiovascular phenotype. Last evaluated: 2020-02-21. Review status: criteria provided, single submitter. Criteria: Ambry Variant Classification Scheme 2023. Collection method: clinical testing. Allele origin: germline.
Comment: The p.S2653A variant (also known as c.7957T>G), located in coding exon 32 of the TTN gene, results from a T to G substitution at nucleotide position 7957. The serine at codon 2653 is replaced by alanine, an amino acid with similar properties. This amino acid position is not well conserved in available vertebrate species. In addition, this alteration is predicted to be tolerated by in silico analysis. Since supporting evidence is limited at this time, the clinical significance of this alteration remains unclear.

Mayo Clinic Laboratories, Mayo Clinic
Classification: Uncertain significance. Last evaluated: 2019-04-08. Review status: criteria provided, single submitter. Criteria: ACMG Guidelines, 2015. Collection method: clinical testing. Allele origin: germline. Observed: 1 variant allele.

Labcorp Genetics (formerly Invitae), Labcorp
Classification: Uncertain significance for Dilated cardiomyopathy 1G; Autosomal recessive limb-girdle muscular dystrophy type 2J. Last evaluated: 2017-11-17. Review status: criteria provided, single submitter. Criteria: Invitae Variant Classification Sherloc (09022015). Collection method: clinical testing. Allele origin: germline.